The following is an entry in ClinVar:

ClinVar aggregate classification (germline): Uncertain significance (1 of 4 stars; one submission).

Conditions:
Congenital muscular dystrophy due to integrin alpha-7 deficiency. Also called: Congenital muscular dystrophy with integrin alpha-7 deficiency; Muscular dystrophy, congenital, due to ITGA7 deficiency; MYOPATHY, CONGENITAL, DUE TO INTEGRIN ALPHA-7 DEFICIENCY. Identifiers: Orphanet 34520, MedGen C2750786, MONDO:0013177, OMIM 613204.

Allele frequency attached by ClinVar (database versions not stated): gnomAD exomes below 0.00001.

Submission:

Labcorp Genetics (formerly Invitae), Labcorp
Classification: Uncertain significance for Congenital muscular dystrophy due to integrin alpha-7 deficiency. Last evaluated: 2022-01-06. Review status: criteria provided, single submitter. Criteria: Invitae Variant Classification Sherloc (09022015). Collection method: clinical testing. Allele origin: germline.
Comment: This sequence change replaces glycine, which is neutral and non-polar, with serine, which is neutral and polar, at codon 353 of the ITGA7 protein (p.Gly353Ser). This variant is not present in population databases (gnomAD no frequency). This variant has not been reported in the literature in individuals affected with ITGA7-related conditions. Algorithms developed to predict the effect of missense changes on protein structure and function are either unavailable or do not agree on the potential impact of this missense change (SIFT: "Deleterious"; PolyPhen-2: "Probably Damaging"; Align-GVGD: "Class C0"). In summary, the available evidence is currently insufficient to determine the role of this variant in disease. Therefore, it has been classified as a Variant of Uncertain Significance.

NM_002206.3(ITGA7):c.1057G>A (p.Gly353Ser)

Gene: ITGA7 (integrin subunit alpha 7; minus strand). Cytogenetic location: 12q13.2.
Variant type: single nucleotide variant.
Coding change: c.1057G>A on transcript NM_002206.3 (MANE Select); coding-DNA position 1057, G replaced by A.
Protein change: p.Gly353Ser; replaces glycine 353 with serine.
Molecular consequence: missense variant. On other transcripts: 5 prime UTR variant (1).
Genome position (GRCh38, 1-based): chr12:55,698,518, C>T on the plus strand (G>A on the coding strand, the complement: ITGA7 is on the minus strand). VCF-style: chr12-55698518-C-T. GRCh37 (hg19) VCF-style: chr12-56092302-C-T.
Other names: c.1069G>A, p.Gly357Ser (NM_001144996.2, NM_001414029.1, NM_001414030.1); c.778G>A, p.Gly260Ser (NM_001144997.2); c.730G>A, p.Gly244Ser (NM_001367993.1); c.-236G>A (NM_001367994.1); c.1057G>A, p.Gly353Ser (NM_001374465.1, NM_001414031.1, NM_001414034.1); c.1189G>A, p.Gly397Ser (NM_001410977.1); c.937G>A, p.Gly313Ser (NM_001414032.1); c.874G>A, p.Gly292Ser (NM_001414033.1); and 1 more; short protein forms G292S, G313S, G397S, G244S, G260S, G357S, G240S, G353S.
Identifiers: ClinVar variation 1953628 (VCV001953628.5), dbSNP rs2539804995, ClinGen allele CA385190390.